The following is an entry in ClinVar:

ClinVar aggregate classification (germline): Likely benign (0 of 4 stars; one submission).

Conditions:
EP300-related disorder. Also called: EP300-related disorders; EP300-related condition.

gnomAD v4.1: 2 of 1,614,138 alleles (0.00012%); highest among the groups gnomAD compares: African/African-American, 0.0027%; no homozygotes.

Submission:

PreventionGenetics, part of Exact Sciences
Classification: Likely benign for EP300-related condition. Last evaluated: 2023-08-03. Review status: no assertion criteria provided. Collection method: clinical testing. Allele origin: germline.
Comment: This variant is classified as likely benign based on ACMG/AMP sequence variant interpretation guidelines (Richards et al. 2015 PMID: 25741868, with internal and published modifications).

NM_001429.4(EP300):c.6939C>G (p.Val2313=)

Gene: EP300 (E1A binding protein p300; plus strand). Cytogenetic location: 22q13.2.
Variant type: single nucleotide variant.
Coding change: c.6939C>G on transcript NM_001429.4 (MANE Select); coding-DNA position 6939, C replaced by G.
Protein change: p.Val2313=; no amino-acid change (valine 2313 retained).
Molecular consequence: synonymous variant.
Genome position (GRCh38, 1-based): chr22:41,178,650, C>G. VCF-style: chr22-41178650-C-G. GRCh37 (hg19) VCF-style: chr22-41574654-C-G.
Other names: c.6861C>G, p.Val2287= (NM_001362843.2).
Identifiers: ClinVar variation 3348562 (VCV003348562.1).
Genomic context (GRCh38, chr22:41,178,650, plus strand): 5'-CCTACAAGGCCAGCAGATCCCTAATTCTCTCTCCAATCAAGTGCGCTCTCCCCAGCCTGT[C>G]CCTTCTCCACGGCCACAGTCCCAGCCCCCCCACTCCAGTCCTTCCCCAAGGATGCAGCCT-3'
Protein context (NP_001420.2, residues 2303-2323): LSNQVRSPQP[Val2313=]PSPRPQSQPP